The following is an entry in ClinVar:

NM_001458.5(FLNC):c.1720G>T (p.Val574Phe)

Gene: FLNC (filamin C; plus strand). Cytogenetic location: 7q32.1.
Variant type: single nucleotide variant.
Coding change: c.1720G>T on transcript NM_001458.5 (MANE Select); coding-DNA position 1720, G replaced by T.
Protein change: p.Val574Phe; replaces valine 574 with phenylalanine.
Molecular consequence: missense variant.
Genome position (GRCh38, 1-based): chr7:128,840,877, G>T. VCF-style: chr7-128840877-G-T. GRCh37 (hg19) VCF-style: chr7-128480931-G-T.
Other names: c.1720G>T, p.Val574Phe (NM_001127487.2); short protein forms V574F.
Identifiers: ClinVar variation 5037065 (VCV005037065.1).

ClinVar aggregate classification (germline): Uncertain significance (1 of 4 stars; one submission).

Submission:

GeneDx
Classification: Uncertain significance. Last evaluated: 2026-04-13. Review status: criteria provided, single submitter. Criteria: GeneDx Variant Classification Process June 2021. Collection method: clinical testing. Allele origin: germline.
Comment: Not observed at significant frequency in large population cohorts (gnomAD); In silico analysis supports that this missense variant has a deleterious effect on protein structure/function; Has not been previously published as pathogenic or benign to our knowledge